The following is an entry in ClinVar:

NM_000540.3(RYR1):c.15021+2T>G

Gene: RYR1 (ryanodine receptor 1; plus strand). Cytogenetic location: 19q13.2.
Variant type: single nucleotide variant.
Coding change: c.15021+2T>G on transcript NM_000540.3 (MANE Select); the canonical splice donor site of the intron after coding-DNA position 15021, T replaced by G.
Molecular consequence: splice donor variant.
Genome position (GRCh38, 1-based): chr19:38,586,578, T>G. VCF-style: chr19-38586578-T-G. GRCh37 (hg19) VCF-style: chr19-39077218-T-G.
Other names: c.15006+2T>G (NM_001042723.2).
Identifiers: ClinVar variation 3070211 (VCV003070211.4), dbSNP rs2514782731, ClinGen allele CA405693867.

ClinVar aggregate classification (germline): Conflicting classifications of pathogenicity. Review status: criteria provided, conflicting classifications (1 of 4 stars). 3 submissions from 3 submitters: Likely pathogenic (1); Uncertain significance (2). Last evaluated 2024-02-08.

Conditions:
Congenital multicore myopathy with external ophthalmoplegia (CMYO1B). Also called: MULTIMINICORE DISEASE WITH EXTERNAL OPHTHALMOPLEGIA; MULTICORE MYOPATHY; Minicore myopathy with external ophthalmoplegia; Congenital myopathy 1B, autosomal recessive; Minicore myopathy. Identifiers: Orphanet 598, Orphanet 98905, MedGen C1850674, MONDO:0009712, OMIM 255320, HP:0003789.
Malignant hyperthermia, susceptibility to, 1 (MHS1). Also called: Malignant hyperthermia suceptibility 1; Anesthesia related hyperthermia; Malignant hyperpyrexia; Fulminating hyperpyrexia; Pharmacogenic myopathy; RYR1-Related Malignant Hyperthermia Susceptibility. Identifiers: Orphanet 423, MedGen C2930980, MONDO:0007783, OMIM 145600.

Allele frequency attached by ClinVar (database versions not stated): gnomAD exomes below 0.00001.
gnomAD v4.1: 1 of 1,613,816 alleles (0.000062%); highest among the groups gnomAD compares: Non-Finnish European, 0.000085%; no homozygotes.

Submissions (3):

All of Us Research Program, National Institutes of Health
Classification: Uncertain significance for Malignant hyperthermia, susceptibility to, 1. Last evaluated: 2024-02-08. Review status: criteria provided, single submitter. Criteria: ACMG Guidelines, 2015. Collection method: clinical testing. Allele origin: germline. Inheritance: Autosomal dominant inheritance. Observed: 2 variant alleles, 2 heterozygotes.
Comment: This variant causes a T to G nucleotide substitution at the +2 position of intron 105 of the RYR1 gene. Splice site prediction tools suggest that this variant may have a significant impact on RNA splicing. Although this prediction has not been confirmed in published RNA studies, this variant is expected to result in an absent or disrupted protein product. This variant has not been reported in individuals affected with RYR1-related disorders in the literature. Loss of RYR1 function due to haploinsufficiency is associated with congenital myopathy, but it is not an established disease mechanism for autosomal dominant malignant hyperthermia susceptibility. This variant has not been identified in the general population by the Genome Aggregation Database (gnomAD). Due to insufficient evidence, this variant is classified as a Variant of Uncertain Significance for autosomal dominant malignant hyperthermia.

This study involves interpretation of variants in research participants for the purpose of population health screening. Participant phenotype was not available at the time of variant classification. Additional details can be found in publication PMID: 35346344, PMCID: PMC8962531

Human Genome Sequencing Center Clinical Lab, Baylor College of Medicine
Classification: Likely pathogenic for Congenital multicore myopathy with external ophthalmoplegia. Last evaluated: 2023-09-29. Review status: criteria provided, single submitter. Criteria: ACMG Guidelines, 2015. Collection method: clinical testing. Allele origin: unknown.

Blueprint Genetics
Classification: Uncertain significance. Last evaluated: 2021-04-08. Review status: criteria provided, single submitter. Criteria: ACMG Guidelines, 2015. Collection method: clinical testing. Allele origin: germline.